The following is an entry in ClinVar:

NM_004655.4(AXIN2):c.1740_1761dup (p.Pro588fs)

Gene: AXIN2 (axin 2; minus strand). Cytogenetic location: 17q24.1.
Variant type: Duplication.
Coding change: c.1740_1761dup on transcript NM_004655.4 (MANE Select); coding-DNA positions 1740 to 1761, 22 bases duplicated (ACGCAATGGGAAAGGCACGGAG).
Protein change: p.Pro588fs; shifts the reading frame from proline 588.
Molecular consequence: frameshift variant. On other transcripts: intron variant (1).
Genome position (GRCh38, 1-based): chr17:65,537,015-65,537,036, CTCCGTGCCTTTCCCATTGCGT duplicated on the plus strand (ACGCAATGGGAAAGGCACGGAG on the coding strand, the reverse complement: AXIN2 is on the minus strand). VCF-style (leftmost placement, unchanged base first): chr17-65537014-G-GCTCCGTGCCTTTCCCATTGCGT. GRCh37 (hg19) VCF-style: chr17-63533132-G-GCTCCGTGCCTTTCCCATTGCGT.
Other names: c.1712+288_1712+309dup (NM_001363813.1); c.1740_1761dupACGCAATGGGAAAGGCACGGAG (NM_004655.3); short protein forms P588fs.
Identifiers: ClinVar variation 3470018 (VCV003470018.1).

ClinVar aggregate classification (germline): Pathogenic (1 of 4 stars; one submission).

Conditions:
Hereditary cancer-predisposing syndrome. Also called: Tumor predisposition; Neoplastic Syndromes, Hereditary; Hereditary neoplastic syndrome; Hereditary Cancer Syndrome. Identifiers: Orphanet 140162, MedGen C0027672, MeSH D009386, MONDO:0015356.

Submission:

Ambry Genetics
Classification: Pathogenic for Hereditary cancer-predisposing syndrome. Last evaluated: 2024-08-01. Review status: criteria provided, single submitter. Criteria: Ambry Variant Classification Scheme 2023. Collection method: clinical testing. Allele origin: germline.
Comment: The c.1740_1761dup22 pathogenic mutation, located in coding exon 6 of the AXIN2 gene, results from a duplication of 22 nucleotides at positions 1740 to 1761, causing a translational frameshift with a predicted alternate stop codon (p.P588Tfs*47). This variant is considered to be rare based on population cohorts in the Genome Aggregation Database (gnomAD). This alteration is expected to result in loss of function by premature protein truncation or nonsense-mediated mRNA decay. As such, this alteration is interpreted as a disease-causing mutation.